The following is an entry in ClinVar:

ClinVar aggregate classification (germline): Uncertain significance (1 of 4 stars; one submission).

Allele frequency attached by ClinVar (database versions not stated): gnomAD exomes below 0.00001.
gnomAD v4.1: 3 of 1,593,670 alleles (0.00019%); highest among the groups gnomAD compares: Non-Finnish European, 0.00026%; no homozygotes.

Submission:

Labcorp Genetics (formerly Invitae), Labcorp
Classification: Uncertain significance. Last evaluated: 2023-09-05. Review status: criteria provided, single submitter. Criteria: Invitae Variant Classification Sherloc (09022015). Collection method: clinical testing. Allele origin: germline.
Comment: This sequence change replaces alanine, which is neutral and non-polar, with valine, which is neutral and non-polar, at codon 606 of the BCL11B protein (p.Ala606Val). This variant is present in population databases (no rsID available, gnomAD 0.002%). This variant has not been reported in the literature in individuals affected with BCL11B-related conditions. Advanced modeling of protein sequence and biophysical properties (such as structural, functional, and spatial information, amino acid conservation, physicochemical variation, residue mobility, and thermodynamic stability) performed at Invitae indicates that this missense variant is not expected to disrupt BCL11B protein function. In summary, the available evidence is currently insufficient to determine the role of this variant in disease. Therefore, it has been classified as a Variant of Uncertain Significance.

NM_138576.4(BCL11B):c.1817C>T (p.Ala606Val)

Gene: BCL11B (BCL11 transcription factor B; minus strand). Cytogenetic location: 14q32.2.
Variant type: single nucleotide variant.
Coding change: c.1817C>T on transcript NM_138576.4 (MANE Select); coding-DNA position 1817, C replaced by T.
Protein change: p.Ala606Val; replaces alanine 606 with valine.
Molecular consequence: missense variant.
Genome position (GRCh38, 1-based): chr14:99,175,019, G>A on the plus strand (C>T on the coding strand, the complement: BCL11B is on the minus strand). VCF-style: chr14-99175019-G-A. GRCh37 (hg19) VCF-style: chr14-99641356-G-A.
Other names: c.1814C>T, p.Ala605Val (NM_001282237.2); c.1601C>T, p.Ala534Val (NM_001282238.2); c.1604C>T, p.Ala535Val (NM_022898.3); short protein forms A535V, A534V, A605V, A606V.
Identifiers: ClinVar variation 2882040 (VCV002882040.3), dbSNP rs1212786797, ClinGen allele CA390934550.
Genomic context (GRCh38, chr14:99,175,019, plus strand): 5'-CGCTTCAGGAAGGCGCCGCGCTTCTGCTTGTCGGCCAGGAGCTCGCCGTACTGCGGCAGT[G>A]CGCCTAGGCCCACGTTCTCCATGACCTTGCCCAGCACCAGCGCCTTCTCGTCAGCCAGCG-3'
Protein context (NP_612808.1, residues 596-616): GKVMENVGLG[Ala606Val]LPQYGELLAD